The following is an entry in ClinVar:

ClinVar aggregate classification (germline): Uncertain significance (1 of 4 stars; one submission).

Submission:

Ambry Genetics
Classification: Uncertain significance. Last evaluated: 2026-09-14. Review status: criteria provided, single submitter. Criteria: Ambry Variant Classification Scheme 2023. Collection method: clinical testing. Allele origin: germline.
Comment: The p.K1958R variant (also known as c.5873A>G), located in coding exon 23 of the WNK2 gene, results from an A to G substitution at nucleotide position 5873. The lysine at codon 1958 is replaced by arginine, an amino acid with highly similar properties. This amino acid position is conserved. In addition, this alteration is predicted to be tolerated by in silico analysis. Based on the available evidence, the clinical significance of this variant remains unclear.

NM_006648.4(WNK2):c.5873A>G (p.Lys1958Arg)

Gene: WNK2 (WNK lysine deficient protein kinase 2; plus strand). Cytogenetic location: 9q22.31.
Variant type: single nucleotide variant.
Coding change: c.5873A>G on transcript NM_006648.4 (MANE Select); coding-DNA position 5873, A replaced by G.
Protein change: p.Lys1958Arg; replaces lysine 1958 with arginine.
Molecular consequence: missense variant.
Genome position (GRCh38, 1-based): chr9:93,298,017, A>G. VCF-style: chr9-93298017-A-G. GRCh37 (hg19) VCF-style: chr9-96060299-A-G.
Other names: c.5984A>G, p.Lys1995Arg (NM_001282394.3); short protein forms K1958R, K1995R.
Identifiers: ClinVar variation 5031997 (VCV005031997.1).